The following is an entry in ClinVar:

Conditions:
Arteriohepatic dysplasia. Also called: Alagille Syndrome. Identifiers: Orphanet 52, MedGen C0085280, MeSH D016738, MONDO:0007318.

Submission:

Gilbert/Spinner Lab, Children's Hospital of Philadelphia
No classification provided (evidence only). Condition: Alagille syndrome. Review status: no classification provided. Collection method: research. Allele origin: not applicable. Functional consequence: functionally_abnormal.
ClinVar note: "not provided" was previously submitted as the classification for the variant. However, the classification appeared to be based only on an observation of functional data so it was converted to no classification on 2025-07-30.

NM_000214.3(JAG1):c.625C>G (p.His209Asp)

Gene: JAG1 (jagged canonical Notch ligand 1; minus strand). Cytogenetic location: 20p12.2.
Variant type: single nucleotide variant.
Coding change: c.625C>G on transcript NM_000214.3 (MANE Select); coding-DNA position 625, C replaced by G.
Protein change: p.His209Asp; replaces histidine 209 with aspartic acid.
Molecular consequence: missense variant.
Genome position (GRCh38, 1-based): chr20:10,658,537, G>C on the plus strand (C>G on the coding strand, the complement: JAG1 is on the minus strand). VCF-style: chr20-10658537-G-C. GRCh37 (hg19) VCF-style: chr20-10639185-G-C.
Other names: short protein forms H209D.
Identifiers: ClinVar variation 3573344 (VCV003573344.2).
Genomic context (GRCh38, chr20:10,658,537, plus strand): 5'-ATTCGGGGCCCATCCAGCCTTCCATGCAAGTTTTGTTGCCATTCTGGTCACAGGCATAGT[G>C]TCCAAAGAAGTCATCTCTGGGGCGGCAGAACTTATTGCAGCCAAAGCCATAGTAGTAGTC-3'
Protein context (NP_000205.1, residues 199-219): FCRPRDDFFG[His209Asp]YACDQNGNKT